The following is an entry in ClinVar:

NM_001346810.2(DLGAP2):c.2820G>A (p.Pro940=)

Gene: DLGAP2 (DLG associated protein 2; plus strand). Cytogenetic location: 8p23.3.
Variant type: single nucleotide variant.
Coding change: c.2820G>A on transcript NM_001346810.2 (MANE Select); coding-DNA position 2820, G replaced by A.
Protein change: p.Pro940=; no amino-acid change (proline 940 retained).
Molecular consequence: synonymous variant.
Genome position (GRCh38, 1-based): chr8:1,697,170, G>A. VCF-style: chr8-1697170-G-A. GRCh37 (hg19) VCF-style: chr8-1645336-G-A.
Identifiers: ClinVar variation 2658294 (VCV002658294.24), dbSNP rs777312874, ClinGen allele CA4599037.

ClinVar aggregate classification (germline): Likely benign (1 of 4 stars; one submission).

Allele frequency attached by ClinVar (database versions not stated): ExAC 0.00002; gnomAD exomes 0.00002; gnomAD 0.00004; TOPMed 0.00005.
gnomAD v4.1: 34 of 1,600,572 alleles (0.0021%); highest among the groups gnomAD compares: Middle Eastern, 0.017%; no homozygotes.

Submission:

CeGaT Center for Human Genetics Tuebingen
Classification: Likely benign. Last evaluated: 2023-03-01. Review status: criteria provided, single submitter. Criteria: CeGaT Center For Human Genetics Tuebingen Variant Classification Criteria Version 2. Collection method: clinical testing. Allele origin: germline. Affected: yes. Observed: 1 variant allele.
Comment: DLGAP2: BP4, BP7